The following is an entry in ClinVar:

ClinVar aggregate classification (germline): Uncertain significance. Review status: criteria provided, multiple submitters, no conflicts (2 of 4 stars). 2 submissions from 2 submitters: Uncertain significance (2). Last evaluated 2024-04-25.

Conditions:
Developmental and epileptic encephalopathy, 36 (DEE36). Also called: ALG13-CDG; Epileptic encephalopathy, early infantile, 36; Congenital disorder of glycosylation, type Is. Identifiers: Orphanet 324422, MedGen C4317295, MONDO:0010472, OMIM 300884.

Allele frequency attached by ClinVar (database versions not stated): TOPMed 0.00004.
gnomAD v4.1: 4 of 1,139,457 alleles (0.00035%); no homozygotes.

Submissions (2):

Labcorp Genetics (formerly Invitae), Labcorp
Classification: Uncertain significance for Developmental and epileptic encephalopathy, 36. Last evaluated: 2024-04-25. Review status: criteria provided, single submitter. Criteria: Invitae Variant Classification Sherloc (09022015). Collection method: clinical testing. Allele origin: germline.
Comment: This sequence change replaces proline, which is neutral and non-polar, with alanine, which is neutral and non-polar, at codon 943 of the ALG13 protein (p.Pro943Ala). This variant is not present in population databases (gnomAD no frequency). This variant has not been reported in the literature in individuals affected with ALG13-related conditions. ClinVar contains an entry for this variant (Variation ID: 966978). An algorithm developed to predict the effect of missense changes on protein structure and function (PolyPhen-2) suggests that this variant is likely to be tolerated. In summary, the available evidence is currently insufficient to determine the role of this variant in disease. Therefore, it has been classified as a Variant of Uncertain Significance.

Fulgent Genetics
Classification: Uncertain significance for Developmental and epileptic encephalopathy, 36. Last evaluated: 2022-05-16. Review status: criteria provided, single submitter. Criteria: ACMG Guidelines, 2015. Collection method: clinical testing. Allele origin: unknown.

NM_001099922.3(ALG13):c.2827C>G (p.Pro943Ala)

Gene: ALG13 (ALG13 UDP-N-acetylglucosaminyltransferase subunit; plus strand). Cytogenetic location: Xq23.
Variant type: single nucleotide variant.
Coding change: c.2827C>G on transcript NM_001099922.3 (MANE Select); coding-DNA position 2827, C replaced by G.
Protein change: p.Pro943Ala; replaces proline 943 with alanine.
Molecular consequence: missense variant. On other transcripts: intron variant (5).
Genome position (GRCh38, 1-based): chrX:111,744,799, C>G. VCF-style: chrX-111744799-C-G. GRCh37 (hg19) VCF-style: chrX-110988027-C-G.
Other names: c.2593C>G, p.Pro865Ala (NM_001257231.2); c.2383+7920C>G (NM_001257237.2, NM_001257234.2, NM_001257230.2); c.2209+7920C>G (NM_001324293.1); c.2695+7920C>G (NM_001324292.2); short protein forms P865A, P943A.
Identifiers: ClinVar variation 966978 (VCV000966978.8), dbSNP rs887315764, ClinGen allele CA334445777.
Genomic context (GRCh38, chrX:111,744,799, plus strand): 5'-CCACCACCACCACCACCACCACCACCACCACCTCCTCCTCCTCCTCCTCCTCCTCCTCCT[C>G]CTCCTCCTGCTCTTGATGTGGGAGAGACTTCAAACTTACAACCACCACCACCACTACCAC-3'
Protein context (NP_001093392.1, residues 933-953): PPPPPPPPPP[Pro943Ala]PPALDVGETS